The following is an entry in ClinVar:

ClinVar aggregate classification (germline): Pathogenic (1 of 4 stars; one submission).

Submission:

Labcorp Genetics (formerly Invitae), Labcorp
Classification: Pathogenic. Last evaluated: 2021-02-12. Review status: criteria provided, single submitter. Criteria: Invitae Variant Classification Sherloc (09022015). Collection method: clinical testing. Allele origin: germline.
Comment: For these reasons, this variant has been classified as Pathogenic. Algorithms developed to predict the effect of sequence changes on RNA splicing suggest that this variant may disrupt the consensus splice site, but this prediction has not been confirmed by published transcriptional studies. This variant has been observed in individual(s) with Bietti crystalline dystrophy (Invitae). This variant is not present in population databases (ExAC no frequency). This sequence change affects an acceptor splice site in intron 7 of the CYP4V2 gene. It is expected to disrupt RNA splicing. Variants that disrupt the donor or acceptor splice site typically lead to a loss of protein function (PMID: 16199547), and loss-of-function variants in CYP4V2 are known to be pathogenic (PMID: 15042513, 25118264).

Literature cited by the submitters: PubMed 16199547; PubMed 15042513; PubMed 25118264.

NM_207352.4(CYP4V2):c.988-1G>C

Gene: CYP4V2 (cytochrome P450 family 4 subfamily V member 2; plus strand). Cytogenetic location: 4q35.2.
Variant type: single nucleotide variant.
Coding change: c.988-1G>C on transcript NM_207352.4 (MANE Select); the canonical splice acceptor site of the intron before coding-DNA position 988, G replaced by C.
Molecular consequence: splice acceptor variant.
Genome position (GRCh38, 1-based): chr4:186,205,199, G>C. VCF-style: chr4-186205199-G-C. GRCh37 (hg19) VCF-style: chr4-187126353-G-C.
Identifiers: ClinVar variation 1451669 (VCV001451669.8), dbSNP rs1013053543, ClinGen allele CA358949191.